The following is an entry in ClinVar:

NC_000001.10:g.(?_75005898)_(75006017_?)del

Genes: FPGT-TNNI3K (FPGT-TNNI3K readthrough; plus strand), TNNI3K (TNNI3 interacting kinase; plus strand). Cytogenetic location: 1p31.1.
Variant type: Deletion.
Identifiers: ClinVar variation 2426248 (VCV002426248.4).

ClinVar aggregate classification (germline): Uncertain significance (1 of 4 stars; one submission).

Submission:

Labcorp Genetics (formerly Invitae), Labcorp
Classification: Uncertain significance. Last evaluated: 2024-01-08. Review status: criteria provided, single submitter. Criteria: Invitae Variant Classification Sherloc (09022015). Collection method: clinical testing. Allele origin: germline.
Comment: This variant is a gross deletion of the genomic region encompassing exon(s) 24 of the TNNI3K gene. While this deletion is not anticipated to lead to nonsense mediated decay, it is expected to disrupt the C-terminus of the protein. This variant has not been reported in the literature in individuals affected with TNNI3K-related conditions. Experimental studies and prediction algorithms are not available or were not evaluated, and the functional significance of this variant is currently unknown. In summary, the available evidence is currently insufficient to determine the role of this variant in disease. Therefore, it has been classified as a Variant of Uncertain Significance.